The following is an entry in ClinVar:

ClinVar aggregate classification (germline): Likely pathogenic (1 of 4 stars; one submission).

Conditions:
Insulin-dependent diabetes mellitus secretory diarrhea syndrome (IPEX). Also called: DIABETES MELLITUS, CONGENITAL INSULIN-DEPENDENT, WITH FATAL SECRETORY DIARRHEA; DIARRHEA, POLYENDOCRINOPATHY, FATAL INFECTION SYNDROME, X-LINKED; ENTEROPATHY, AUTOIMMUNE, WITH HEMOLYTIC ANEMIA AND POLYENDOCRINOPATHY; IMMUNODEFICIENCY, POLYENDOCRINOPATHY, AND ENTEROPATHY, X-LINKED; IPEX and IPEX-Like; Immunodeficiency, Polyendocrinopathy, and Enteropathy X-Linked Syndrome. Identifiers: Orphanet 37042, MedGen C0342288, MONDO:0010580, OMIM 304790. Disease mechanism: loss of function.

Submission:

Broad Center for Mendelian Genomics, Broad Institute of MIT and Harvard
Classification: Likely pathogenic for Insulin-dependent diabetes mellitus secretory diarrhea syndrome. Last evaluated: 2023-05-02. Review status: criteria provided, single submitter. Criteria: ACMG Guidelines, 2015. Collection method: curation. Allele origin: germline. Inheritance: X-linked inheritance.
Comment: The c.542+2T>G variant in FOXP3 has not been previously reported in individuals with IPEX. This variant was absent from large population studies. This variant is located in the 5' splice region. Computational tools predict a splicing impact, though this information is not predictive enough to determine pathogenicity. Loss of function of the FOXP3 gene is an established disease mechanism in X-linked recessive IPEX. In summary, although additional studies are required to fully establish its clinical significance, this variant is likely pathogenic for X-linked IPEX. ACMG/AMP Criteria applied: PVS1, PM2_Supporting (Richards 2015).

NM_014009.4(FOXP3):c.542+2T>G

Gene: FOXP3 (forkhead box P3; minus strand). Cytogenetic location: Xp11.23.
Variant type: single nucleotide variant.
Coding change: c.542+2T>G on transcript NM_014009.4 (MANE Select); the canonical splice donor site of the intron after coding-DNA position 542, T replaced by G.
Molecular consequence: splice donor variant.
Genome position (GRCh38, 1-based): chrX:49,256,923, A>C on the plus strand (T>G on the coding strand, the complement: FOXP3 is on the minus strand). VCF-style: chrX-49256923-A-C. GRCh37 (hg19) VCF-style: chrX-49113380-A-C.
Other names: NM_014009.4:c.542+2T>G; c.437+2T>G (NM_001114377.2).
Identifiers: ClinVar variation 2500871 (VCV002500871.1), dbSNP rs2519194266, ClinGen allele CA412952319.